The following is an entry in ClinVar:

NM_001909.5(CTSD):c.621C>A (p.Ser207=)

Gene: CTSD (cathepsin D; minus strand). Cytogenetic location: 11p15.5.
Variant type: single nucleotide variant.
Coding change: c.621C>A on transcript NM_001909.5 (MANE Select); coding-DNA position 621, C replaced by A.
Protein change: p.Ser207=; no amino-acid change (serine 207 retained).
Molecular consequence: synonymous variant.
Genome position (GRCh38, 1-based): chr11:1,757,407, G>T on the plus strand (C>A on the coding strand, the complement: CTSD is on the minus strand). VCF-style: chr11-1757407-G-T. GRCh37 (hg19) VCF-style: chr11-1778637-G-T.
Identifiers: ClinVar variation 385355 (VCV000385355.7), dbSNP rs367978332, ClinGen allele CA5814128.

ClinVar aggregate classification (germline): Likely benign. Review status: criteria provided, multiple submitters, no conflicts (2 of 4 stars). 2 submissions from 2 submitters: Likely benign (2). Last evaluated 2025-07-14.

Conditions:
Neuronal ceroid lipofuscinosis. Also called: Neuronal Ceroid Lipofuscinoses. Identifiers: Orphanet 216, Orphanet 79263, MedGen C0027877, MONDO:0016295. Disease mechanism: loss of function.

Allele frequency attached by ClinVar (database versions not stated): gnomAD 0.00001; TOPMed 0.00001.

Submissions (2):

Labcorp Genetics (formerly Invitae), Labcorp
Classification: Likely benign for Neuronal ceroid lipofuscinosis. Last evaluated: 2025-07-14. Review status: criteria provided, single submitter. Criteria: Invitae Variant Classification Sherloc (09022015). Collection method: clinical testing. Allele origin: germline.

GeneDx
Classification: Likely benign. Last evaluated: 2016-04-15. Review status: criteria provided, single submitter. Criteria: GeneDx Variant Classification (06012015). Collection method: clinical testing. Allele origin: germline. Affected: yes.
Comment: This variant is considered likely benign or benign based on one or more of the following criteria: it is a conservative change, it occurs at a poorly conserved position in the protein, it is predicted to be benign by multiple in silico algorithms, and/or has population frequency not consistent with disease.